The following is an entry in ClinVar:

NM_006493.4(CLN5):c.8_32dup (p.Glu12fs)

Gene: CLN5 (CLN5 lysosomal BMP synthase; plus strand). Cytogenetic location: 13q22.3.
Variant type: Duplication.
Coding change: c.8_32dup on transcript NM_006493.4 (MANE Select); coding-DNA positions 8 to 32, 25 bases duplicated (AGGAGGTAGACACGGCACAGGGCGC).
Protein change: p.Glu12fs; shifts the reading frame from glutamic acid 12.
Molecular consequence: frameshift variant, initiator codon variant.
Genome position (GRCh38, 1-based): chr13:76,992,106-76,992,130, AGGAGGTAGACACGGCACAGGGCGC duplicated; duplicating any 25 consecutive bases within chr13:76,992,101-76,992,130 gives the same sequence; the c. name uses the placement nearest the transcript's 3' end. VCF-style (leftmost placement, unchanged base first): chr13-76992100-T-TGGCGCAGGAGGTAGACACGGCACAG. GRCh37 (hg19) VCF-style: chr13-77566235-T-TGGCGCAGGAGGTAGACACGGCACAG.
Other names: c.8_32dup, p.Glu12fs (NM_001366624.2); c.155_179dupAGGAGGTAGACACGGCACAGGGCGC (NM_006493.2); short protein forms E12fs.
Identifiers: ClinVar variation 4815507 (VCV004815507.1).

ClinVar aggregate classification (germline): Likely pathogenic (1 of 4 stars; one submission).

Conditions:
Neuronal ceroid lipofuscinosis. Also called: Neuronal Ceroid Lipofuscinoses. Identifiers: Orphanet 216, Orphanet 79263, MedGen C0027877, MONDO:0016295. Disease mechanism: loss of function.

Submission:

Natera, Inc.
Classification: Likely pathogenic for Neuronal ceroid lipofuscinosis. Last evaluated: 2024-03-25. Review status: criteria provided, single submitter. Criteria: Natera Variant Classification Schema (03/2026). Collection method: clinical testing. Allele origin: germline.
Comment: The c.155_179dupAGGAGGTAGACACGGCACAGGGCGC variant in CLN5 is a frameshift variant predicted to shift the reading frame beginning at codon 61 and leads to a stop codon 58 codons downstream. This variant is expected to result in nonsense mediated decay, truncation, or a dysfunctional protein product. This variant is rare in the general population with a frequency below the threshold expected for the associated phenotype(s). Given the available evidence, this variant is classified as Likely Pathogenic.